The following is an entry in ClinVar:

NM_003000.3(SDHB):c.284A>G (p.Glu95Gly)

Gene: SDHB (succinate dehydrogenase complex iron sulfur subunit B; minus strand). Cytogenetic location: 1p36.13.
Variant type: single nucleotide variant.
Coding change: c.284A>G on transcript NM_003000.3 (MANE Select); coding-DNA position 284, A replaced by G.
Protein change: p.Glu95Gly; replaces glutamic acid 95 with glycine.
Molecular consequence: missense variant.
Genome position (GRCh38, 1-based): chr1:17,033,062, T>C on the plus strand (A>G on the coding strand, the complement: SDHB is on the minus strand). VCF-style: chr1-17033062-T-C. GRCh37 (hg19) VCF-style: chr1-17359557-T-C.
Other names: c.284A>G, p.Glu95Gly (NM_001407361.1); short protein forms E95G.
Identifiers: ClinVar variation 3438775 (VCV003438775.1).

ClinVar aggregate classification (germline): Uncertain significance (1 of 4 stars; one submission).

Conditions:
Hereditary cancer-predisposing syndrome. Also called: Tumor predisposition; Neoplastic Syndromes, Hereditary; Hereditary neoplastic syndrome; Hereditary Cancer Syndrome. Identifiers: Orphanet 140162, MedGen C0027672, MeSH D009386, MONDO:0015356.

Submission:

Ambry Genetics
Classification: Uncertain significance for Hereditary cancer-predisposing syndrome. Last evaluated: 2024-12-10. Review status: criteria provided, single submitter. Criteria: Ambry Variant Classification Scheme 2023. Collection method: clinical testing. Allele origin: germline.
Comment: The p.E95G variant (also known as c.284A>G), located in coding exon 3 of the SDHB gene, results from an A to G substitution at nucleotide position 284. The glutamic acid at codon 95 is replaced by glycine, an amino acid with similar properties. This amino acid position is conserved. In addition, this alteration is predicted to be deleterious by in silico analysis. Based on the available evidence, the clinical significance of this variant remains unclear.